The following is an entry in ClinVar:

ClinVar aggregate classification (germline): Pathogenic. Review status: criteria provided, multiple submitters, no conflicts (2 of 4 stars). 4 submissions from 4 submitters: Pathogenic (4). Last evaluated 2025-11-24.

Conditions:
Progressive external ophthalmoplegia with mitochondrial DNA deletions, autosomal recessive 3 (PEOB3). Also called: PROGRESSIVE EXTERNAL OPHTHALMOPLEGIA, AUTOSOMAL RECESSIVE 3. Identifiers: Orphanet 254886, MedGen C4310734, MONDO:0014898, OMIM 617069.
Mitochondrial DNA depletion syndrome, myopathic form (MTDPS2). Also called: MITOCHONDRIAL DNA DEPLETION MYOPATHY, TK2-RELATED; MITOCHONDRIAL DNA DEPLETION SYNDROME 2 (MYOPATHIC TYPE); TK2-Related Mitochondrial DNA Maintenance Defect, Myopathic Form. Identifiers: Orphanet 254875, MedGen C3149750, MONDO:0012301, OMIM 609560.
Mitochondrial DNA depletion syndrome. Also called: mitochondrial DNA depletion. Identifiers: Orphanet 35698, MedGen C0342782, MONDO:0018158.
Mitochondrial disease. Also called: Mitochondrial disorder; Mitochondrial disorders. Identifiers: Orphanet 68380, MedGen C0751651, MeSH D028361, MONDO:0044970.

Submissions (4):

Genomenon, Inc
Classification: Pathogenic for Mitochondrial disease. Last evaluated: 2025-11-24. Review status: criteria provided, single submitter. Criteria: Genomenon Sequence Variant Interpretation Standards - Updated. Collection method: curation. Allele origin: germline. Affected: yes.
Comment: TK2 p.His121Asn (c.360_361delinsAA) is an insertion-deletion variant that changes the amino acid at residue 121 from Histidine to Asparagine. It is also described as H163N, His90Asn, and H90N in the literature. This variant has been observed in multiple probands affected with mitochondrial disease in both the the homozygous and compound heterozygous state (12391347, 11687801, 16908738, 29735374, 17951082) and was found to segregate with disease in one family (12391347). Functional studies have been reported (12493767, 18446447). This variant is not present at a significant frequency in gnomAD, and in silico models agree that this variant is possibly or probably damaging. Another cDNA variant that causes the same protein consequence has been determined to be pathogenic/likely pathogenic. In conclusion, we classify TK2 p.His121Asn (c.360_361delinsAA) as a pathogenic variant.

Labcorp Genetics (formerly Invitae), Labcorp
Classification: Pathogenic. Last evaluated: 2025-10-23. Review status: criteria provided, single submitter. Criteria: Invitae Variant Classification Sherloc (09022015). Collection method: clinical testing. Allele origin: germline.
Comment: This sequence change replaces histidine, which is basic and polar, with asparagine, which is neutral and polar, at codon 121 of the TK2 protein (p.His121Asn). Information on the frequency of this variant in the gnomAD database is not available, as this variant may be reported differently in the database. This missense change has been observed in individuals with mitochondrial DNA depletion syndrome (PMID: 11687801, 12391347, 16908738, 29602790). It has also been observed to segregate with disease in related individuals. This variant is also known as p.His90Asn. ClinVar contains an entry for this variant (Variation ID: 38986). Algorithms developed to predict the effect of variants on gene product structure and function are not available or were not evaluated for this variant. Experimental studies have shown that this missense change affects TK2 function (PMID: 12493767, 18446447). For these reasons, this variant has been classified as Pathogenic.

Fulgent Genetics
Classification: Pathogenic for Mitochondrial DNA depletion syndrome, myopathic form; Progressive external ophthalmoplegia with mitochondrial DNA deletions, autosomal recessive 3. Last evaluated: 2024-01-02. Review status: criteria provided, single submitter. Criteria: ACMG Guidelines, 2015. Collection method: clinical testing. Allele origin: germline.

Women's Health and Genetics/Laboratory Corporation of America, LabCorp
Classification: Pathogenic for Mitochondrial DNA depletion syndrome. Last evaluated: 2023-02-24. Review status: criteria provided, single submitter. Criteria: LabCorp Variant Classification Summary - May 2015. Collection method: clinical testing. Allele origin: germline.
Comment: Variant summary: TK2 c.360_361delinsAA (p.His121Asn) results in a conservative amino acid change located in the Deoxynucleoside kinase domain (IPR031314) of the encoded protein sequence. Three of five in-silico tools predict a damaging effect of the variant on protein function. The variant allele was found at a frequency of 0.00012 in 250910 control chromosomes. This frequency is not higher than estimated for a pathogenic variant in TK2 causing Mitochondrial DNA Depletion Syndrome - TK2 Related (0.00012 vs 0.0011), allowing no conclusion about variant significance. c.360_361delinsAA has been reported in the literature in multiple individuals affected with Mitochondrial DNA Depletion Syndrome - TK2 Related (Saada_2001, Oskoui_2006, Jou_2019, etc.). These data indicate that the variant is very likely to be associated with disease. Experimental evidence demonstrated the variant affects protein function (Saada_2001, Wang_2003). One ClinVar submitter has submitted clinical-significance assessments for this variant to ClinVar after 2014, classifying the variant as pathogenic. Based on the evidence outlined above, the variant was classified as pathogenic.

Literature cited by the submitters: PubMed 12391347 (cited by Genomenon, Inc and Labcorp Genetics (formerly Invitae), Labcorp); PubMed 11687801 (cited by 3 submitters); PubMed 16908738 (cited by 3 submitters); PubMed 29735374 (cited by Genomenon, Inc); PubMed 17951082 (cited by Genomenon, Inc); PubMed 12493767 (cited by 3 submitters); PubMed 18446447 (cited by Genomenon, Inc and Labcorp Genetics (formerly Invitae), Labcorp); PubMed 29602790 (cited by Labcorp Genetics (formerly Invitae), Labcorp); PubMed 30634555 (cited by Women's Health and Genetics/Laboratory Corporation of America, LabCorp).

NM_004614.5(TK2):c.360_361delinsAA (p.His121Asn)

Gene: TK2 (thymidine kinase 2; minus strand). Cytogenetic location: 16q21.
Variant type: Indel.
Coding change: c.360_361delinsAA on transcript NM_004614.5 (MANE Select); coding-DNA positions 360 to 361, GC replaced by AA.
Protein change: p.His121Asn; replaces histidine 121 with asparagine.
Molecular consequence: missense variant. On other transcripts: non-coding transcript variant (1).
Genome position (GRCh38, 1-based): chr16:66,531,394-66,531,395, GC replaced by TT on the plus strand (GC replaced by AA on the coding strand, the reverse complement: TK2 is on the minus strand). VCF-style: chr16-66531394-GC-TT. GRCh37 (hg19) VCF-style: chr16-66565297-GC-TT.
Other names: c.267_268delinsAA, p.His90Asn (NM_001172643.1, NM_001271935.1); c.285_286delinsAA, p.His96Asn (NM_001172644.2); c.306_307delinsAA, p.His103Asn (NM_001172645.2); c.213_214delinsAA, p.His72Asn (NM_001271934.2); c.69_70delinsAA, p.His24Asn (NM_001272050.2); c.360_361delinsAA (NM_004614.4); short protein forms H90N, H121N, H24N, H96N, H103N, H72N.
Identifiers: ClinVar variation 38986 (VCV000038986.12), dbSNP rs281865507, ClinGen allele CA343304.